The following is an entry in ClinVar:

ClinVar aggregate classification (germline): Likely benign (1 of 4 stars; one submission).

gnomAD v4.1: 1 of 1,612,156 alleles (0.000062%); highest among the groups gnomAD compares: Admixed American, 0.0017%; no homozygotes.

Submission:

CeGaT Center for Human Genetics Tuebingen
Classification: Likely benign. Last evaluated: 2026-05-01. Review status: criteria provided, single submitter. Criteria: CeGaT Center For Human Genetics Tuebingen Variant Classification Criteria Version 2. Collection method: clinical testing. Allele origin: germline. Affected: yes. Observed: 1 variant allele.
Comment: ITGA2: BP4, BP7

NM_002203.4(ITGA2):c.2481A>T (p.Val827=)

Gene: ITGA2 (integrin subunit alpha 2; plus strand). Cytogenetic location: 5q11.2.
Variant type: single nucleotide variant.
Coding change: c.2481A>T on transcript NM_002203.4 (MANE Select); coding-DNA position 2481, A replaced by T.
Protein change: p.Val827=; no amino-acid change (valine 827 retained).
Molecular consequence: synonymous variant. On other transcripts: non-coding transcript variant (4).
Genome position (GRCh38, 1-based): chr5:53,073,169, A>T. VCF-style: chr5-53073169-A-T. GRCh37 (hg19) VCF-style: chr5-52368999-A-T.
Identifiers: ClinVar variation 4872571 (VCV004872571.2).